The following is an entry in ClinVar:

ClinVar aggregate classification (germline): Uncertain significance (1 of 4 stars; one submission).

Submission:

Labcorp Genetics (formerly Invitae), Labcorp
Classification: Uncertain significance. Last evaluated: 2024-10-25. Review status: criteria provided, single submitter. Criteria: Invitae Variant Classification Sherloc (09022015). Collection method: clinical testing. Allele origin: germline.
Comment: This variant, c.6929_6931delinsTGT, is a complex sequence change that results in the deletion of 2 and insertion of 2 amino acid(s) in the VCAN protein (p.Glu2310_Val2311delinsValPhe). Information on the frequency of this variant in the gnomAD database is not available, as this variant may be reported differently in the database. This variant has not been reported in the literature in individuals affected with VCAN-related conditions. ClinVar contains an entry for this variant (Variation ID: 1438150). Experimental studies and prediction algorithms are not available or were not evaluated, and the functional significance of this variant is currently unknown. In summary, the available evidence is currently insufficient to determine the role of this variant in disease. Therefore, it has been classified as a Variant of Uncertain Significance.

NM_004385.5(VCAN):c.6929_6931delinsTGT (p.Glu2310_Val2311delinsValPhe)

Genes: VCAN (versican; plus strand), VCAN-AS1 (VCAN antisense RNA 1; minus strand). Cytogenetic location: 5q14.3.
Variant type: Indel.
Coding change: c.6929_6931delinsTGT on transcript NM_004385.5 (MANE Select); coding-DNA positions 6929 to 6931, AAG replaced by TGT.
Protein change: p.Glu2310_Val2311delinsValPhe.
Molecular consequence: missense variant. On other transcripts: intron variant (2).
Genome position (GRCh38, 1-based): chr5:83,539,932-83,539,934, AAG replaced by TGT. VCF-style: chr5-83539932-AAG-TGT. GRCh37 (hg19) VCF-style: chr5-82835751-AAG-TGT.
Other names: c.3968_3970delinsTGT, p.Glu1323_Val1324delinsValPhe (NM_001164097.2); c.4004-5605_4004-5603delinsTGT (NM_001164098.2); c.1043-5605_1043-5603delinsTGT (NM_001126336.3).
Identifiers: ClinVar variation 1438150 (VCV001438150.6), dbSNP rs2112446037, ClinGen allele CA2573140068.